The following is an entry in ClinVar:

NM_001009944.3(PKD1):c.3992G>A (p.Gly1331Glu)

Gene: PKD1 (polycystin 1, transient receptor potential channel interacting; minus strand). Cytogenetic location: 16p13.3.
Variant type: single nucleotide variant.
Coding change: c.3992G>A on transcript NM_001009944.3 (MANE Select); coding-DNA position 3992, G replaced by A.
Protein change: p.Gly1331Glu; replaces glycine 1331 with glutamic acid.
Molecular consequence: missense variant.
Genome position (GRCh38, 1-based): chr16:2,111,175, C>T on the plus strand (G>A on the coding strand, the complement: PKD1 is on the minus strand). VCF-style: chr16-2111175-C-T. GRCh37 (hg19) VCF-style: chr16-2161176-C-T.
Other names: c.3992G>A, p.Gly1331Glu (NM_000296.4); short protein forms G1331E.
Identifiers: ClinVar variation 3063582 (VCV003063582.1), dbSNP rs760982070, ClinGen allele CA7832540.
Genomic context (GRCh38, chr16:2,111,175, plus strand): 5'-CGCGTGAAGTTGTGTGTCACCGTCGGGCACCCCCGCACGGTCGTGTTGGAGGAGCCATCC[C>T]CGAAGGTCCAGTCGAAGAGGTAGTGGGCCGGGTTCCCGGTGACGTAGGCCGTGAGCCGCG-3'
Protein context (NP_001009944.3, residues 1321-1341): PAHYLFDWTF[Gly1331Glu]DGSSNTTVRG

ClinVar aggregate classification (germline): Uncertain significance (1 of 4 stars; one submission).

Conditions:
Polycystic kidney disease, adult type (PKD1). Also called: Polycystic Kidney, Autosomal Dominant; POLYCYSTIC KIDNEY DISEASE 1 WITH OR WITHOUT POLYCYSTIC LIVER DISEASE; Polycystic Kidney Disease 1, Autosomal Dominant; Polycystic kidney disease 1; Polycystic kidney disease 1, severe; POLYCYSTIC KIDNEY DISEASE, ADULT, TYPE I. Identifiers: MedGen C3149841, MONDO:0008263, OMIM 173900.

Allele frequency attached by ClinVar (database versions not stated): gnomAD 0.00001; gnomAD exomes 0.00001; TOPMed 0.00001; ExAC 0.00002.
gnomAD v4.1: 24 of 1,611,288 alleles (0.0015%); highest among the groups gnomAD compares: Non-Finnish European, 0.0016%; no homozygotes.

Submission:

Institute of Immunology and Genetics Kaiserslautern
Classification: Uncertain significance for Polycystic kidney disease, adult type. Last evaluated: 2024-03-18. Review status: criteria provided, single submitter. Criteria: ACMG Guidelines, 2015. Collection method: clinical testing. Allele origin: germline. Affected: yes.
Comment: ACMG Criteria: PM2_P, PP3; Variant was found in heterozygous state